The following is an entry in ClinVar:

NM_001367721.1(CASK):c.2138T>A (p.Leu713Ter)

Gene: CASK (calcium/calmodulin dependent serine protein kinase; minus strand). Cytogenetic location: Xp11.4.
Variant type: single nucleotide variant.
Coding change: c.2138T>A on transcript NM_001367721.1 (MANE Select); coding-DNA position 2138, T replaced by A.
Protein change: p.Leu713Ter; replaces leucine 713 with a stop codon.
Molecular consequence: nonsense.
Genome position (GRCh38, 1-based): chrX:41,542,708, A>T on the plus strand (T>A on the coding strand, the complement: CASK is on the minus strand). VCF-style: chrX-41542708-A-T. GRCh37 (hg19) VCF-style: chrX-41401961-A-T.
Other names: c.2069T>A, p.Leu690Ter (NM_001126054.3); c.2051T>A, p.Leu684Ter (NM_001126055.3); c.2120T>A, p.Leu707Ter (NM_001410745.1); c.2138T>A, p.Leu713Ter (NM_003688.4); short protein forms L690*, L684*, L713*, L707*.
Identifiers: ClinVar variation 1440705 (VCV001440705.6), dbSNP rs2147111812, ClinGen allele CA412992238.
Genomic context (GRCh38, chrX:41,542,708, plus strand): 5'-AGATGCTTAACCCAGCCTCAGTAACAGTTGTGCTTTTCCCTACCTGCATTGTGCTTTGCC[A>T]AATATTTATCTTTGTACTGCTTCTTTTTCTTGCCAAACCAAGTACAGCTGGCCTGCTGCT-3'

ClinVar aggregate classification (germline): Pathogenic (1 of 4 stars; one submission).

Conditions:
Intellectual disability, CASK-related, X-linked. Identifiers: MedGen CN043158.

Submission:

Labcorp Genetics (formerly Invitae), Labcorp
Classification: Pathogenic for Intellectual disability, CASK-related, X-linked. Last evaluated: 2021-04-08. Review status: criteria provided, single submitter. Criteria: Invitae Variant Classification Sherloc (09022015). Collection method: clinical testing. Allele origin: germline.
Comment: This variant has not been reported in the literature in individuals with CASK-related conditions. This variant is not present in population databases (ExAC no frequency). This sequence change creates a premature translational stop signal (p.Leu713*) in the CASK gene. It is expected to result in an absent or disrupted protein product. Loss-of-function variants in CASK are known to be pathogenic (PMID: 19165920, 20029458, 21954287, 22452838, 22709267). For these reasons, this variant has been classified as Pathogenic.

Literature cited by the submitters: PubMed 19165920; PubMed 20029458; PubMed 21954287; PubMed 22452838; PubMed 22709267.